The following is an entry in ClinVar:

ClinVar aggregate classification (germline): Uncertain significance. Review status: criteria provided, multiple submitters, no conflicts (2 of 4 stars). 2 submissions from 2 submitters: Uncertain significance (2). Last evaluated 2026-03-02.

Conditions:
Hereditary cancer-predisposing syndrome. Also called: Neoplastic Syndromes, Hereditary; Tumor predisposition; Hereditary Cancer Syndrome; Hereditary neoplastic syndrome. Identifiers: Orphanet 140162, MedGen C0027672, MeSH D009386, MONDO:0015356.
Gastrointestinal stromal tumor. Also called: Gastrointestinal stromal tumor, somatic; Gastrointestinal stroma tumor. Identifiers: Orphanet 44890, MedGen C0238198, MeSH D046152, MONDO:0011719, OMIM 606764, HP:0100723.

Submissions (2):

Ambry Genetics
Classification: Uncertain significance for Hereditary cancer-predisposing syndrome. Last evaluated: 2026-03-02. Review status: criteria provided, single submitter. Criteria: Ambry Variant Classification Scheme 2023. Collection method: clinical testing. Allele origin: germline.
Comment: The p.T1058A variant (also known as c.3172A>G), located in coding exon 22 of the PDGFRA gene, results from an A to G substitution at nucleotide position 3172. The threonine at codon 1058 is replaced by alanine, an amino acid with similar properties. This amino acid position is highly conserved in available vertebrate species. In addition, the in silico prediction for this alteration is inconclusive. Based on the available evidence, the clinical significance of this variant remains unclear.

Labcorp Genetics (formerly Invitae), Labcorp
Classification: Uncertain significance for Gastrointestinal stromal tumor. Last evaluated: 2023-12-31. Review status: criteria provided, single submitter. Criteria: Invitae Variant Classification Sherloc (09022015). Collection method: clinical testing. Allele origin: germline.
Comment: This sequence change replaces threonine, which is neutral and polar, with alanine, which is neutral and non-polar, at codon 1058 of the PDGFRA protein (p.Thr1058Ala). This variant is not present in population databases (gnomAD no frequency). This variant has not been reported in the literature in individuals affected with PDGFRA-related conditions. Advanced modeling of protein sequence and biophysical properties (such as structural, functional, and spatial information, amino acid conservation, physicochemical variation, residue mobility, and thermodynamic stability) performed at Invitae indicates that this missense variant is not expected to disrupt PDGFRA protein function with a negative predictive value of 80%. In summary, the available evidence is currently insufficient to determine the role of this variant in disease. Therefore, it has been classified as a Variant of Uncertain Significance.

NM_006206.6(PDGFRA):c.3172A>G (p.Thr1058Ala)

Gene: PDGFRA (platelet derived growth factor receptor alpha; plus strand). Cytogenetic location: 4q12.
Variant type: single nucleotide variant.
Coding change: c.3172A>G on transcript NM_006206.6 (MANE Select); coding-DNA position 3172, A replaced by G.
Protein change: p.Thr1058Ala; replaces threonine 1058 with alanine.
Molecular consequence: missense variant.
Genome position (GRCh38, 1-based): chr4:54,295,174, A>G. VCF-style: chr4-54295174-A-G. GRCh37 (hg19) VCF-style: chr4-55161341-A-G.
Other names: c.3247A>G, p.Thr1083Ala (NM_001347828.2); c.3172A>G, p.Thr1058Ala (NM_001347829.2); c.3211A>G, p.Thr1071Ala (NM_001347830.2); short protein forms T1058A, T1071A, T1083A.
Identifiers: ClinVar variation 2730731 (VCV002730731.4), dbSNP rs1560496010, ClinGen allele CA356896550.
Genomic context (GRCh38, chr4:54,295,174, plus strand): 5'-CCCTCCTCCAGCTCGCAGACCTCTGAAGAGAGTGCCATTGAGACGGGTTCCAGCAGTTCC[A>G]CCTTCATCAAGAGAGAGGACGAGACCATTGAAGACATCGACATGATGGATGACATCGGCA-3'
Protein context (NP_006197.1, residues 1048-1068): SAIETGSSSS[Thr1058Ala]FIKREDETIE